The following is an entry in ClinVar:

ClinVar aggregate classification (germline): Uncertain significance. Review status: criteria provided, multiple submitters, no conflicts (2 of 4 stars). 2 submissions from 2 submitters: Uncertain significance (2). Last evaluated 2025-02-13.

Conditions:
Hereditary cancer-predisposing syndrome. Also called: Tumor predisposition; Hereditary neoplastic syndrome; Neoplastic Syndromes, Hereditary; Hereditary Cancer Syndrome. Identifiers: Orphanet 140162, MedGen C0027672, MeSH D009386, MONDO:0015356.

Allele frequency attached by ClinVar (database versions not stated): TOPMed below 0.00001; ExAC 0.00001; gnomAD exomes 0.00001.
gnomAD v4.1: 1 of 1,614,194 alleles (0.000062%); highest among the groups gnomAD compares: East Asian, 0.0022%; no homozygotes.

Submissions (2):

Labcorp Genetics (formerly Invitae), Labcorp
Classification: Uncertain significance. Last evaluated: 2025-02-13. Review status: criteria provided, single submitter. Criteria: Invitae Variant Classification Sherloc (09022015). Collection method: clinical testing. Allele origin: germline.
Comment: This sequence change replaces glycine, which is neutral and non-polar, with glutamic acid, which is acidic and polar, at codon 135 of the HOXB13 protein (p.Gly135Glu). This variant is present in population databases (rs769634543, gnomAD 0.01%). This missense change has been observed in individual(s) with prostate cancer (PMID: 22718278, 31214711, 34709755). ClinVar contains an entry for this variant (Variation ID: 1009491). Invitae Evidence Modeling of protein sequence and biophysical properties (such as structural, functional, and spatial information, amino acid conservation, physicochemical variation, residue mobility, and thermodynamic stability) indicates that this missense variant is not expected to disrupt HOXB13 protein function with a negative predictive value of 80%. In summary, the available evidence is currently insufficient to determine the role of this variant in disease. Therefore, it has been classified as a Variant of Uncertain Significance.

Ambry Genetics
Classification: Uncertain significance for Hereditary cancer-predisposing syndrome. Last evaluated: 2024-11-08. Review status: criteria provided, single submitter. Criteria: Ambry Variant Classification Scheme 2023. Collection method: clinical testing. Allele origin: germline.
Comment: The p.G135E variant (also known as c.404G>A), located in coding exon 1 of the HOXB13 gene, results from a G to A substitution at nucleotide position 404. The glycine at codon 135 is replaced by glutamic acid, an amino acid with similar properties. This amino acid position is not well conserved in available vertebrate species. In addition, the in silico prediction for this alteration is inconclusive. Based on the available evidence, the clinical significance of this variant remains unclear.

Literature cited by the submitters: PubMed 22718278 (cited by Labcorp Genetics (formerly Invitae), Labcorp); PubMed 31214711 (cited by Labcorp Genetics (formerly Invitae), Labcorp); PubMed 34709755 (cited by Labcorp Genetics (formerly Invitae), Labcorp).

NM_006361.6(HOXB13):c.404G>A (p.Gly135Glu)

Gene: HOXB13 (homeobox B13; minus strand). Cytogenetic location: 17q21.32.
Variant type: single nucleotide variant.
Coding change: c.404G>A on transcript NM_006361.6 (MANE Select); coding-DNA position 404, G replaced by A.
Protein change: p.Gly135Glu; replaces glycine 135 with glutamic acid.
Molecular consequence: missense variant.
Genome position (GRCh38, 1-based): chr17:48,728,190, C>T on the plus strand (G>A on the coding strand, the complement: HOXB13 is on the minus strand). VCF-style: chr17-48728190-C-T. GRCh37 (hg19) VCF-style: chr17-46805552-C-T.
Other names: c.404G>A (NM_006361.5); short protein forms G135E.
Identifiers: ClinVar variation 1009491 (VCV001009491.9), dbSNP rs769634543, ClinGen allele CA8633994.
Genomic context (GRCh38, chr17:48,728,190, plus strand): 5'-GGAGCACCCAGAGTCTGCACCACAGACACGTCCAGGTAACTGGCCATAGGCTGGTAGGTT[C>T]CCGGATATCCCGGATAGAAGGCAAACTCAGTGGGGCGGCTGGGGTACTCTTCCCCGGCCG-3'
Protein context (NP_006352.2, residues 125-145): TEFAFYPGYP[Gly135Glu]TYQPMASYLD